The following is an entry in ClinVar:

ClinVar aggregate classification (germline): Uncertain significance (1 of 4 stars; one submission).

Conditions:
WASF1-related neurodevelopmental disorder.

Allele frequency attached by ClinVar (database versions not stated): TOPMed below 0.00001; gnomAD 0.00001.

Submission:

GeneDx
Classification: Uncertain significance. Last evaluated: 2024-05-23. Review status: criteria provided, single submitter. Criteria: GeneDx Variant Classification Process June 2021. Collection method: clinical testing. Allele origin: germline. Affected: yes.
Comment: Not observed at significant frequency in large population cohorts (gnomAD); Nucleotide substitution has no predicted effect on splicing and is not conserved across species; Has not been previously published as pathogenic or benign to our knowledge

NM_003931.3(WASF1):c.-2A>G

Gene: WASF1 (WASP family member 1; minus strand). Cytogenetic location: 6q21.
Variant type: single nucleotide variant.
Coding change: c.-2A>G on transcript NM_003931.3 (MANE Select); 2 bases upstream of the start codon, A replaced by G.
Molecular consequence: 5 prime UTR variant.
Genome position (GRCh38, 1-based): chr6:110,127,603, T>C on the plus strand (A>G on the coding strand, the complement: WASF1 is on the minus strand). VCF-style: chr6-110127603-T-C. GRCh37 (hg19) VCF-style: chr6-110448806-T-C.
Other names: c.-2A>G (NM_001024934.2, NM_001024935.2, NM_001024936.2).
Identifiers: ClinVar variation 1710690 (VCV001710690.5), dbSNP rs1774474402, ClinGen allele CA1093085626.